The following is an entry in ClinVar:

NM_005228.5(EGFR):c.3334A>G (p.Asn1112Asp)

Gene: EGFR (epidermal growth factor receptor; plus strand). Cytogenetic location: 7p11.2.
Variant type: single nucleotide variant.
Coding change: c.3334A>G on transcript NM_005228.5 (MANE Select); coding-DNA position 3334, A replaced by G.
Protein change: p.Asn1112Asp; replaces asparagine 1112 with aspartic acid.
Molecular consequence: missense variant.
Genome position (GRCh38, 1-based): chr7:55,205,318, A>G. VCF-style: chr7-55205318-A-G. GRCh37 (hg19) VCF-style: chr7-55273011-A-G.
Other names: c.3199A>G, p.Asn1067Asp (NM_001346899.2); c.3175A>G, p.Asn1059Asp (NM_001346900.2); c.2533A>G, p.Asn845Asp (NM_001346941.2); short protein forms N1067D, N1112D, N1059D, N845D.
Identifiers: ClinVar variation 1516952 (VCV001516952.8), dbSNP rs369498625, ClinGen allele CA367584390.
Genomic context (GRCh38, chr7:55,205,318, plus strand): 5'-TACATAAACCAGTCCGTTCCCAAAAGGCCCGCTGGCTCTGTGCAGAATCCTGTCTATCAC[A>G]ATCAGCCTCTGAACCCCGCGCCCAGCAGAGACCCACACTACCAGGACCCCCACAGCACTG-3'
Protein context (NP_005219.2, residues 1102-1122): AGSVQNPVYH[Asn1112Asp]QPLNPAPSRD

ClinVar aggregate classification (germline): Uncertain significance (1 of 4 stars; one submission).

Conditions:
EGFR-related lung cancer (EGFR). Identifiers: MedGen CN130014.

Submission:

Labcorp Genetics (formerly Invitae), Labcorp
Classification: Uncertain significance for EGFR-related lung cancer. Last evaluated: 2021-03-15. Review status: criteria provided, single submitter. Criteria: Invitae Variant Classification Sherloc (09022015). Collection method: clinical testing. Allele origin: germline.
Comment: This sequence change replaces asparagine with aspartic acid at codon 1112 of the EGFR protein (p.Asn1112Asp). The asparagine residue is moderately conserved and there is a small physicochemical difference between asparagine and aspartic acid. In summary, the available evidence is currently insufficient to determine the role of this variant in disease. Therefore, it has been classified as a Variant of Uncertain Significance. Algorithms developed to predict the effect of missense changes on protein structure and function (SIFT, PolyPhen-2, Align-GVGD) all suggest that this variant is likely to be tolerated, but these predictions have not been confirmed by published functional studies and their clinical significance is uncertain. This variant has not been reported in the literature in individuals with EGFR-related conditions. This variant is not present in population databases (ExAC no frequency).